The following is an entry in ClinVar:

NM_001267550.2(TTN):c.31271-1G>A

Gene: TTN (titin; minus strand). Cytogenetic location: 2q31.2.
Variant type: single nucleotide variant.
Coding change: c.31271-1G>A on transcript NM_001267550.2 (MANE Select); the canonical splice acceptor site of the intron before coding-DNA position 31271, G replaced by A.
Molecular consequence: splice acceptor variant. On other transcripts: intron variant (3).
Genome position (GRCh38, 1-based): chr2:178,694,907, C>T on the plus strand (G>A on the coding strand, the complement: TTN is on the minus strand). VCF-style: chr2-178694907-C-T. GRCh37 (hg19) VCF-style: chr2-179559634-C-T.
Other names: c.13282+43175G>A (NM_003319.4); c.13858+43175G>A (NM_133437.4); c.13657+43175G>A (NM_133432.3); c.27539-1G>A (NM_133378.4); c.30320-1G>A (NM_001256850.1).
Identifiers: ClinVar variation 4786731 (VCV004786731.1).

ClinVar aggregate classification (germline): Likely pathogenic (1 of 4 stars; one submission).

Conditions:
Autosomal recessive limb-girdle muscular dystrophy type 2J (LGMDR10). Also called: Limb-girdle muscular dystrophy, type 2J; MUSCULAR DYSTROPHY, LIMB-GIRDLE, AUTOSOMAL RECESSIVE 10. Identifiers: Orphanet 140922, MedGen C1837342, MONDO:0012127, OMIM 608807.
Dilated cardiomyopathy 1G (CMD1G). Identifiers: Orphanet 154, MedGen C1858763, MONDO:0011400, OMIM 604145.

gnomAD v4.1: 2 of 1,543,568 alleles (0.00013%); highest among the groups gnomAD compares: East Asian, 0.0048%; no homozygotes.

Submission:

Labcorp Genetics (formerly Invitae), Labcorp
Classification: Likely pathogenic for Dilated cardiomyopathy 1G; Autosomal recessive limb-girdle muscular dystrophy type 2J. Last evaluated: 2025-11-18. Review status: criteria provided, single submitter. Criteria: Invitae Variant Classification Sherloc (09022015). Collection method: clinical testing. Allele origin: germline.
Comment: This sequence change affects an acceptor splice site in intron 115 of the TTN gene. It is expected to disrupt RNA splicing. Variants that disrupt the donor or acceptor splice site typically lead to a loss of protein function (PMID: 16199547), and loss-of-function variants in TTN are known to be pathogenic (PMID: 17444505, 22335739, 22577215, 23486992, 23606733, 23975875, 24395473). This variant is not present in population databases (gnomAD no frequency). This variant has not been observed in the literature in individuals with autosomal recessive TTN-related conditions. This variant has been reported in individual(s) with clinical features of dilated cardiomyopathy (internal data); however, the role of the variant in this condition is currently unclear. Algorithms developed to predict the effect of sequence changes on RNA splicing suggest that this variant may disrupt the consensus splice site. In summary, the currently available evidence indicates that the variant is pathogenic, but additional data are needed to prove that conclusively. Therefore, this variant has been classified as Likely Pathogenic.

Literature cited by the submitters: PubMed 16199547; PubMed 17444505; PubMed 22335739; PubMed 22577215; PubMed 23486992; PubMed 23606733; PubMed 23975875; PubMed 24395473.